The following is an entry in ClinVar:

NM_000535.7(PMS2):c.1483G>A (p.Gly495Arg)

Gene: PMS2 (PMS1 homolog 2, mismatch repair system component; minus strand). Cytogenetic location: 7p22.1.
Variant type: single nucleotide variant.
Coding change: c.1483G>A on transcript NM_000535.7 (MANE Select); coding-DNA position 1483, G replaced by A.
Protein change: p.Gly495Arg; replaces glycine 495 with arginine.
Molecular consequence: missense variant. On other transcripts: non-coding transcript variant (1), intron variant (1).
Genome position (GRCh38, 1-based): chr7:5,987,282, C>T on the plus strand (G>A on the coding strand, the complement: PMS2 is on the minus strand). VCF-style: chr7-5987282-C-T. GRCh37 (hg19) VCF-style: chr7-6026913-C-T.
Other names: c.1078G>A, p.Gly360Arg (NM_001322003.2, NM_001322004.2, NM_001322005.2 and 16 more transcripts); c.1327G>A, p.Gly443Arg (NM_001322006.2, NM_001406870.1); c.1165G>A, p.Gly389Arg (NM_001322007.2, NM_001322008.2, NM_001406876.1 and 2 more transcripts); c.922G>A, p.Gly308Arg (NM_001322010.2, NM_001406906.1, NM_001406907.1); c.550G>A, p.Gly184Arg (NM_001322011.2, NM_001322012.2); c.910G>A, p.Gly304Arg (NM_001322013.2, NM_001406909.1); c.1483G>A, p.Gly495Arg (NM_001322014.2, NM_001406871.1, NM_001406872.1); c.1174G>A, p.Gly392Arg (NM_001322015.2, NM_001406875.1, NM_001406877.1 and 5 more transcripts); and 13 more; short protein forms G184R, G324R, G337R, G360R, G495R, G340R, G387R, G429R.
Identifiers: ClinVar variation 3891001 (VCV003891001.1).

ClinVar aggregate classification (germline): Uncertain significance (1 of 4 stars; one submission).

Conditions:
Hereditary cancer-predisposing syndrome. Also called: Tumor predisposition; Neoplastic Syndromes, Hereditary; Hereditary Cancer Syndrome; Hereditary neoplastic syndrome. Identifiers: Orphanet 140162, MedGen C0027672, MeSH D009386, MONDO:0015356.

Submission:

Ambry Genetics
Classification: Uncertain significance for Hereditary cancer-predisposing syndrome. Last evaluated: 2025-02-02. Review status: criteria provided, single submitter. Criteria: Ambry Variant Classification Scheme 2023. Collection method: clinical testing. Allele origin: germline.
Comment: The p.G495R variant (also known as c.1483G>A), located in coding exon 11 of the PMS2 gene, results from a G to A substitution at nucleotide position 1483. The glycine at codon 495 is replaced by arginine, an amino acid with dissimilar properties. This amino acid position is conserved. In addition, the in silico prediction for this alteration is inconclusive. Based on the available evidence, the clinical significance of this variant remains unclear.